The following is an entry in ClinVar:

ClinVar aggregate classification (germline): Uncertain significance (1 of 4 stars; one submission).

gnomAD v4.1: 6 of 1,612,316 alleles (0.00037%); highest among the groups gnomAD compares: Non-Finnish European, 0.00051%; no homozygotes.

Submission:

GeneDx
Classification: Uncertain significance. Last evaluated: 2026-01-28. Review status: criteria provided, single submitter. Criteria: GeneDx Variant Classification Process June 2021. Collection method: clinical testing. Allele origin: germline.
Comment: Not observed at significant frequency in large population cohorts (gnomAD); In silico analysis supports that this missense variant has a deleterious effect on protein structure/function; Has not been previously published as pathogenic or benign to our knowledge

NM_001041.4(SI):c.5327G>C (p.Gly1776Ala)

Gene: SI (sucrase-isomaltase; minus strand). Cytogenetic location: 3q26.1.
Variant type: single nucleotide variant.
Coding change: c.5327G>C on transcript NM_001041.4 (MANE Select); coding-DNA position 5327, G replaced by C.
Protein change: p.Gly1776Ala; replaces glycine 1776 with alanine.
Molecular consequence: missense variant.
Genome position (GRCh38, 1-based): chr3:164,982,331, C>G on the plus strand (G>C on the coding strand, the complement: SI is on the minus strand). VCF-style: chr3-164982331-C-G. GRCh37 (hg19) VCF-style: chr3-164700119-C-G.
Other names: short protein forms G1776A.
Identifiers: ClinVar variation 4975608 (VCV004975608.1).
Genomic context (GRCh38, chr3:164,982,331, plus strand): 5'-AGCGAATTTTTATTTCCGTTATACGTTAGAGTAACTGCATTGACAGGAGTAGTTCCTTTC[C>G]CCCATACATGAAGGGATCCAAGCCTCGTTTCACTTTTATTTATGTAACCTCTCTTCAATA-3'
Protein context (NP_001032.2, residues 1766-1786): ETRLGSLHVW[Gly1776Ala]KGTTPVNAVT